The following is an entry in ClinVar:

NM_001148.6(ANK2):c.2754C>G (p.Asp918Glu)

Gene: ANK2 (ankyrin 2; plus strand). Cytogenetic location: 4q26.
Variant type: single nucleotide variant.
Coding change: c.2754C>G on transcript NM_001148.6 (MANE Select); coding-DNA position 2754, C replaced by G.
Protein change: p.Asp918Glu; replaces aspartic acid 918 with glutamic acid.
Molecular consequence: missense variant.
Genome position (GRCh38, 1-based): chr4:113,317,767, C>G. VCF-style: chr4-113317767-C-G. GRCh37 (hg19) VCF-style: chr4-114238923-C-G.
Other names: c.2667C>G, p.Asp889Glu (NM_001354266.2, NM_001354267.2, NM_001354276.2 and 7 more transcripts); c.2655C>G, p.Asp885Glu (NM_001354268.2, NM_001354245.2); c.2541C>G, p.Asp847Glu (NM_001354269.3); c.2592C>G, p.Asp864Glu (NM_001354270.2, NM_001386156.1, NM_001354253.2 and 1 more transcripts); c.2568C>G, p.Asp856Glu (NM_001354271.2, NM_001386151.1, NM_001354260.2); c.2688C>G, p.Asp896Glu (NM_001354272.2, NM_001386161.1, NM_001354239.2 and 3 more transcripts); c.2553C>G, p.Asp851Glu (NM_001354273.2); c.2652C>G, p.Asp884Glu (NM_001354274.2, NM_001386142.1, NM_001386154.1); and 17 more; short protein forms D127E, D790E, D823E, D847E, D851E, D856E, D864E, D884E.
Identifiers: ClinVar variation 3369005 (VCV003369005.1).

ClinVar aggregate classification (germline): Uncertain significance (1 of 4 stars; one submission).

Submission:

GeneDx
Classification: Uncertain significance. Last evaluated: 2024-02-08. Review status: criteria provided, single submitter. Criteria: GeneDx Variant Classification Process June 2021. Collection method: clinical testing. Allele origin: germline. Affected: yes.
Comment: Not observed at significant frequency in large population cohorts (gnomAD); In silico analysis supports that this missense variant has a deleterious effect on protein structure/function; Has not been previously published as pathogenic or benign to our knowledge